The following is an entry in ClinVar:

ClinVar aggregate classification (germline): Uncertain significance (1 of 4 stars; one submission).

Conditions:
Inborn genetic diseases. Identifiers: MedGen C0950123, MeSH D030342.

Submission:

Ambry Genetics
Classification: Uncertain significance for Inborn genetic diseases. Last evaluated: 2025-05-21. Review status: criteria provided, single submitter. Criteria: Ambry Variant Classification Scheme 2023. Collection method: clinical testing. Allele origin: germline.
Comment: The p.S1042G variant (also known as c.3124A>G), located in coding exon 14 of the MECOM gene, results from an A to G substitution at nucleotide position 3124. The serine at codon 1042 is replaced by glycine, an amino acid with similar properties. This amino acid position is conserved. In addition, this alteration is predicted to be tolerated by in silico analysis. Based on the available evidence, the clinical significance of this variant remains unclear.

NM_004991.4(MECOM):c.3124A>G (p.Ser1042Gly)

Gene: MECOM (MDS1 and EVI1 complex locus; minus strand). Cytogenetic location: 3q26.2.
Variant type: single nucleotide variant.
Coding change: c.3124A>G on transcript NM_004991.4 (MANE Select); coding-DNA position 3124, A replaced by G.
Protein change: p.Ser1042Gly; replaces serine 1042 with glycine.
Molecular consequence: missense variant.
Genome position (GRCh38, 1-based): chr3:169,092,998, T>C on the plus strand (A>G on the coding strand, the complement: MECOM is on the minus strand). VCF-style: chr3-169092998-T-C. GRCh37 (hg19) VCF-style: chr3-168810786-T-C.
Other names: c.2755A>G, p.Ser919Gly (NM_001105077.4); c.2560A>G, p.Ser854Gly (NM_001105078.4, NM_001205194.2, NM_001366469.2 and 1 more transcripts); c.2536A>G, p.Ser846Gly (NM_001163999.2, NM_001366470.2); c.2533A>G, p.Ser845Gly (NM_001164000.2, NM_001366471.2, NM_001366472.2); c.3097A>G, p.Ser1033Gly (NM_001366466.2); c.2563A>G, p.Ser855Gly (NM_001366467.2, NM_001366468.2); c.2125A>G, p.Ser709Gly (NM_001366473.2); c.1561A>G, p.Ser521Gly (NM_001366474.2); short protein forms S1042G, S845G, S521G, S846G, S1033G, S709G, S854G, S855G.
Identifiers: ClinVar variation 4053275 (VCV004053275.1).